The following is an entry in ClinVar:

NM_022124.6(CDH23):c.366_367delinsCC (p.Gly123Arg)

Genes: CDH23 (cadherin related 23; plus strand), CDH23-AS1 (CDH23 antisense RNA 1; minus strand). Cytogenetic location: 10q22.1.
Variant type: Indel.
Coding change: c.366_367delinsCC on transcript NM_022124.6 (MANE Select); coding-DNA positions 366 to 367, TG replaced by CC.
Protein change: p.Gly123Arg; replaces glycine 123 with arginine.
Molecular consequence: missense variant.
Genome position (GRCh38, 1-based): chr10:71,511,149-71,511,150, TG replaced by CC. VCF-style: chr10-71511149-TG-CC. GRCh37 (hg19) VCF-style: chr10-73270906-TG-CC.
Other names: c.366_367delinsCC, p.Gly123Arg (NM_001171930.2, NM_001171931.2, NM_001171932.2 and 1 more transcripts); short protein forms G123R.
Identifiers: ClinVar variation 1414455 (VCV001414455.4), dbSNP rs2132200652, ClinGen allele CA2573145353.

ClinVar aggregate classification (germline): Uncertain significance (1 of 4 stars; one submission).

Submission:

Labcorp Genetics (formerly Invitae), Labcorp
Classification: Uncertain significance. Last evaluated: 2025-09-02. Review status: criteria provided, single submitter. Criteria: Invitae Variant Classification Sherloc (09022015). Collection method: clinical testing. Allele origin: germline.
Comment: This sequence change replaces glycine, which is neutral and non-polar, with arginine, which is basic and polar, at codon 123 of the CDH23 protein (p.Gly123Arg). Information on the frequency of this variant in the gnomAD database is not available, as this variant may be reported differently in the database. This variant has not been reported in the literature in individuals affected with CDH23-related conditions. ClinVar contains an entry for this variant (Variation ID: 1414455). Experimental studies and prediction algorithms are not available or were not evaluated, and the functional significance of this variant is currently unknown. In summary, the available evidence is currently insufficient to determine the role of this variant in disease. Therefore, it has been classified as a Variant of Uncertain Significance.